The following is an entry in ClinVar:

NM_144596.4(TTC8):c.329+4T>C

Gene: TTC8 (tetratricopeptide repeat domain 8; plus strand). Cytogenetic location: 14q31.3.
Variant type: single nucleotide variant.
Coding change: c.329+4T>C on transcript NM_144596.4 (MANE Select); 4 bases into the intron after coding-DNA position 329, T replaced by C.
Molecular consequence: intron variant.
Genome position (GRCh38, 1-based): chr14:88,840,932, T>C. VCF-style: chr14-88840932-T-C. GRCh37 (hg19) VCF-style: chr14-89307276-T-C.
Other names: c.-264+4T>C (NM_001288782.1); c.299+4T>C (NM_001288781.1, NM_198309.3, NM_198310.3 and 2 more transcripts); c.-359+4T>C (NM_001288783.1); c.329+4T>C (NM_144596.3).
Identifiers: ClinVar variation 2144829 (VCV002144829.3), dbSNP rs780403142, ClinGen allele CA7302427.

ClinVar aggregate classification (germline): Uncertain significance. Review status: criteria provided, multiple submitters, no conflicts (2 of 4 stars). 3 submissions from 3 submitters: Uncertain significance (2). 1 of the submissions does not count toward it. Last evaluated 2024-03-16.

Conditions:
Bardet-Biedl syndrome (BBS). Identifiers: Orphanet 110, MedGen C0752166, MONDO:0015229.
TTC8-related disorder. Also called: TTC8-related condition.
Retinitis pigmentosa 51 (RP51). Identifiers: Orphanet 791, MedGen C3150715, MONDO:0013274, OMIM 613464.
Bardet-Biedl syndrome 8 (BBS8). Identifiers: Orphanet 110, MedGen C1859566, MONDO:0014436, OMIM 615985.

Allele frequency attached by ClinVar (database versions not stated): ExAC 0.00004; gnomAD 0.00005; TOPMed 0.00007.
gnomAD v4.1: 25 of 1,614,026 alleles (0.0015%); highest among the groups gnomAD compares: African/African-American, 0.021%; no homozygotes.

Submissions (3):

Fulgent Genetics
Classification: Uncertain significance for Retinitis pigmentosa 51; Bardet-Biedl syndrome 8. Last evaluated: 2024-03-16. Review status: criteria provided, single submitter. Criteria: ACMG Guidelines, 2015. Collection method: clinical testing. Allele origin: germline.

Labcorp Genetics (formerly Invitae), Labcorp
Classification: Uncertain significance for Bardet-Biedl syndrome. Last evaluated: 2022-06-12. Review status: criteria provided, single submitter. Criteria: Invitae Variant Classification Sherloc (09022015). Collection method: clinical testing. Allele origin: germline.
Comment: This sequence change falls in intron 4 of the TTC8 gene. It does not directly change the encoded amino acid sequence of the TTC8 protein. It affects a nucleotide within the consensus splice site. This variant is present in population databases (rs780403142, gnomAD 0.008%). This variant has not been reported in the literature in individuals affected with TTC8-related conditions. Variants that disrupt the consensus splice site are a relatively common cause of aberrant splicing (PMID: 17576681, 9536098). Algorithms developed to predict the effect of sequence changes on RNA splicing suggest that this variant is not likely to affect RNA splicing. In summary, the available evidence is currently insufficient to determine the role of this variant in disease. Therefore, it has been classified as a Variant of Uncertain Significance.

PreventionGenetics, part of Exact Sciences
Classification: Likely benign for TTC8-related condition. Last evaluated: 2022-07-14. Review status: no assertion criteria provided. Collection method: clinical testing. Allele origin: germline. Not counted in ClinVar's aggregate classification.
Comment: This variant is classified as likely benign based on ACMG/AMP sequence variant interpretation guidelines (Richards et al. 2015 PMID: 25741868, with internal and published modifications).

Literature cited by the submitters: PubMed 17576681 (cited by Labcorp Genetics (formerly Invitae), Labcorp); PubMed 9536098 (cited by Labcorp Genetics (formerly Invitae), Labcorp).